The following is an entry in ClinVar:

NM_022089.4(ATP13A2):c.1781C>T (p.Ala594Val)

Gene: ATP13A2 (ATPase cation transporting 13A2; minus strand). Cytogenetic location: 1p36.13.
Variant type: single nucleotide variant.
Coding change: c.1781C>T on transcript NM_022089.4 (MANE Select); coding-DNA position 1781, C replaced by T.
Protein change: p.Ala594Val; replaces alanine 594 with valine.
Molecular consequence: missense variant.
Genome position (GRCh38, 1-based): chr1:16,992,550, G>A on the plus strand (C>T on the coding strand, the complement: ATP13A2 is on the minus strand). VCF-style: chr1-16992550-G-A. GRCh37 (hg19) VCF-style: chr1-17319045-G-A.
Other names: c.1766C>T, p.Ala589Val (NM_001141973.3, NM_001141974.3); short protein forms A594V, A589V.
Identifiers: ClinVar variation 585466 (VCV000585466.3), dbSNP rs372058266, ClinGen allele CA637082.
Genomic context (GRCh38, chr1:16,992,550, plus strand): 5'-GCCTGCAGCTGGGGCTCCCAAAGTGGGGGTCTCATCACTGCCAAGACCTGGGTCCCAAAT[G>A]CTGAGTCTGCAGCCGGCTCTTCCTCCAGGACCTGGCAGGCAGGCAGGGAAGTTTGGTGTC-3'
Protein context (NP_071372.1, residues 584-604): VLEEEPAADS[Ala594Val]FGTQVLAVMR

ClinVar aggregate classification (germline): Uncertain significance. Review status: criteria provided, multiple submitters, no conflicts (2 of 4 stars). 2 submissions from 2 submitters: Uncertain significance (2). Last evaluated 2023-01-31.

Allele frequency attached by ClinVar (database versions not stated): gnomAD exomes 0.00002; TOPMed 0.00002; ExAC 0.00003; gnomAD 0.00003 and 0.00004; ESP Exome Variant Server 0.00015.
gnomAD v4.1: 55 of 1,614,086 alleles (0.0034%); highest among the groups gnomAD compares: African/African-American, 0.0053%; no homozygotes.

Submissions (2):

GeneDx
Classification: Uncertain significance. Last evaluated: 2023-01-31. Review status: criteria provided, single submitter. Criteria: GeneDx Variant Classification Process June 2021. Collection method: clinical testing. Allele origin: germline. Affected: yes.
Comment: Not observed at significant frequency in large population cohorts (gnomAD); In silico analysis supports that this missense variant does not alter protein structure/function; Has not been previously published as pathogenic or benign to our knowledge

Athena Diagnostics
Classification: Uncertain significance. Last evaluated: 2018-03-12. Review status: criteria provided, single submitter. Criteria: Athena Diagnostics Criteria. Collection method: clinical testing. Allele origin: germline.